The following is an entry in ClinVar:

ClinVar aggregate classification (germline): Conflicting classifications of pathogenicity. Review status: criteria provided, conflicting classifications (1 of 4 stars). 4 submissions from 4 submitters: Uncertain significance (2); Likely benign (2). Last evaluated 2025-10-25.

Conditions:
Brugada syndrome 8 (BRGDA8). Identifiers: Orphanet 130, MedGen C2751083, MONDO:0013148, OMIM 613123.
Cardiovascular phenotype. Identifiers: MedGen CN230736.

Allele frequency attached by ClinVar (database versions not stated): TOPMed 0.00002; gnomAD exomes 0.00006 and 0.00012; gnomAD 0.00009 and 0.00011; ESP Exome Variant Server 0.00017; ExAC 0.00021; 1000 Genomes Project 30x 0.00031.
gnomAD v4.1: 110 of 1,594,172 alleles (0.0069%); highest among the groups gnomAD compares: Admixed American, 0.0035%; no homozygotes.

Submissions (4):

Labcorp Genetics (formerly Invitae), Labcorp
Classification: Likely benign for Brugada syndrome 8. Last evaluated: 2025-10-25. Review status: criteria provided, single submitter. Criteria: Invitae Variant Classification Sherloc (09022015). Collection method: clinical testing. Allele origin: germline.

Ambry Genetics
Classification: Uncertain significance for Cardiovascular phenotype. Last evaluated: 2025-05-31. Review status: criteria provided, single submitter. Criteria: Ambry Variant Classification Scheme 2023. Collection method: clinical testing. Allele origin: germline.
Comment: The p.T993M variant (also known as c.2978C>T), located in coding exon 8 of the HCN4 gene, results from a C to T substitution at nucleotide position 2978. The threonine at codon 993 is replaced by methionine, an amino acid with similar properties. This amino acid position is not well conserved in available vertebrate species. In addition, this alteration is predicted to be tolerated by in silico analysis. Based on the available evidence, the clinical significance of this variant remains unclear.

Blueprint Genetics
Classification: Likely benign. Last evaluated: 2024-09-30. Review status: criteria provided, single submitter. Criteria: ACMG Guidelines, 2015. Collection method: clinical testing. Allele origin: germline.

GeneDx
Classification: Uncertain significance. Last evaluated: 2022-04-05. Review status: criteria provided, single submitter. Criteria: GeneDx Variant Classification Process June 2021. Collection method: clinical testing. Allele origin: germline. Affected: yes.
Comment: Has not been previously published as pathogenic or benign to our knowledge; In silico analysis supports that this missense variant does not alter protein structure/function

NM_005477.3(HCN4):c.2978C>T (p.Thr993Met)

Gene: HCN4 (hyperpolarization activated cyclic nucleotide gated potassium channel 4; minus strand). Cytogenetic location: 15q24.1.
Variant type: single nucleotide variant.
Coding change: c.2978C>T on transcript NM_005477.3 (MANE Select); coding-DNA position 2978, C replaced by T.
Protein change: p.Thr993Met; replaces threonine 993 with methionine.
Molecular consequence: missense variant.
Genome position (GRCh38, 1-based): chr15:73,323,115, G>A on the plus strand (C>T on the coding strand, the complement: HCN4 is on the minus strand). VCF-style: chr15-73323115-G-A. GRCh37 (hg19) VCF-style: chr15-73615456-G-A.
Other names: short protein forms T993M.
Identifiers: ClinVar variation 538076 (VCV000538076.15), dbSNP rs199798661, ClinGen allele CA7648912.